The following is an entry in ClinVar:

ClinVar aggregate classification (germline): Uncertain significance (1 of 4 stars; one submission).

Conditions:
AKR1D1-related disorder. Also called: AKR1D1-related condition.

Submission:

PreventionGenetics, part of Exact Sciences
Classification: Uncertain significance for AKR1D1-related condition. Last evaluated: 2026-07-23. Review status: criteria provided, single submitter. Criteria: ACMG Guidelines, 2015. Collection method: clinical testing. Allele origin: germline.
Comment: The AKR1D1 c.263T>C variant is predicted to result in the amino acid substitution p.Leu88Pro. To our knowledge, this variant has not been reported in the literature or in a large population database (gnomAD), indicating this variant is rare. At this time, the clinical significance of this variant is uncertain due to the absence of conclusive functional and genetic evidence.

NM_005989.4(AKR1D1):c.263T>C (p.Leu88Pro)

Gene: AKR1D1 (aldo-keto reductase family 1 member D1; plus strand). Cytogenetic location: 7q33.
Variant type: single nucleotide variant.
Coding change: c.263T>C on transcript NM_005989.4 (MANE Select); coding-DNA position 263, T replaced by C.
Protein change: p.Leu88Pro; replaces leucine 88 with proline.
Molecular consequence: missense variant.
Genome position (GRCh38, 1-based): chr7:138,091,769, T>C. VCF-style: chr7-138091769-T-C. GRCh37 (hg19) VCF-style: chr7-137776515-T-C.
Other names: c.263T>C, p.Leu88Pro (NM_001190906.2, NM_001190907.2); short protein forms L88P.
Identifiers: ClinVar variation 4995051 (VCV004995051.1).
Genomic context (GRCh38, chr7:138,091,769, plus strand): 5'-CTGCCTTATCGTAAAAAGCGTGTAGACATTAGTTAATTCTCCCTCTTTGATTCTTTCAGC[T>C]ATGGGCTACAAATCATGTCCCAGAGATGGTCCGCCCAACCCTGGAGAGGACACTCAGGGT-3'
Protein context (NP_005980.1, residues 78-98): RREDIFYCGK[Leu88Pro]WATNHVPEMV